The following is an entry in ClinVar:

NM_015102.5(NPHP4):c.2374G>A (p.Glu792Lys)

Gene: NPHP4 (nephrocystin 4; minus strand). Cytogenetic location: 1p36.31.
Variant type: single nucleotide variant.
Coding change: c.2374G>A on transcript NM_015102.5 (MANE Select); coding-DNA position 2374, G replaced by A.
Protein change: p.Glu792Lys; replaces glutamic acid 792 with lysine.
Molecular consequence: missense variant. On other transcripts: non-coding transcript variant (1).
Genome position (GRCh38, 1-based): chr1:5,887,397, C>T on the plus strand (G>A on the coding strand, the complement: NPHP4 is on the minus strand). VCF-style: chr1-5887397-C-T. GRCh37 (hg19) VCF-style: chr1-5947457-C-T.
Other names: c.835G>A, p.Glu279Lys (NM_001291593.2); c.838G>A, p.Glu280Lys (NM_001291594.2); short protein forms E279K, E792K, E280K.
Identifiers: ClinVar variation 874184 (VCV000874184.12), dbSNP rs764028061, ClinGen allele CA554140.

ClinVar aggregate classification (germline): Uncertain significance. Review status: criteria provided, multiple submitters, no conflicts (2 of 4 stars). 6 submissions from 5 submitters: Uncertain significance (6). Last evaluated 2025-12-16.

Conditions:
Inborn genetic diseases. Identifiers: MedGen C0950123, MeSH D030342.
Nephronophthisis. Also called: Juvenile Nephronophthisis. Identifiers: Orphanet 655, MedGen C0687120, MONDO:0019005, HP:0000090.
Nephronophthisis 4 (NPHP4). Also called: NEPHRONOPHTHISIS 4, JUVENILE. Identifiers: Orphanet 655, MedGen C1847013, MONDO:0011752, OMIM 606966.
Senior-Loken syndrome 4 (SLSN4). Identifiers: Orphanet 3156, MedGen C1846979, MONDO:0011756, OMIM 606996.

Allele frequency attached by ClinVar (database versions not stated): gnomAD exomes below 0.00001; ExAC 0.00001; TOPMed 0.00006.
gnomAD v4.1: 108 of 1,613,394 alleles (0.0067%); highest among the groups gnomAD compares: Non-Finnish European, 0.0086%; no homozygotes.

Submissions (6):

Ambry Genetics
Classification: Uncertain significance for Inborn genetic diseases. Last evaluated: 2025-12-16. Review status: criteria provided, single submitter. Criteria: Ambry Variant Classification Scheme 2023. Collection method: clinical testing. Allele origin: germline.

Labcorp Genetics (formerly Invitae), Labcorp
Classification: Uncertain significance for Nephronophthisis. Last evaluated: 2022-03-24. Review status: criteria provided, single submitter. Criteria: Invitae Variant Classification Sherloc (09022015). Collection method: clinical testing. Allele origin: germline.
Comment: This sequence change replaces glutamic acid, which is acidic and polar, with lysine, which is basic and polar, at codon 792 of the NPHP4 protein (p.Glu792Lys). This variant is present in population databases (rs764028061, gnomAD 0.0009%). This variant has not been reported in the literature in individuals affected with NPHP4-related conditions. ClinVar contains an entry for this variant (Variation ID: 874184). Algorithms developed to predict the effect of missense changes on protein structure and function are either unavailable or do not agree on the potential impact of this missense change (SIFT: "Deleterious"; PolyPhen-2: "Possibly Damaging"; Align-GVGD: "Class C0"). In summary, the available evidence is currently insufficient to determine the role of this variant in disease. Therefore, it has been classified as a Variant of Uncertain Significance.

Department of Pathology and Laboratory Medicine, Sinai Health System
Classification: Uncertain significance for Nephronophthisis 4; Senior-Loken syndrome 4. Last evaluated: 2022-01-18. Review status: criteria provided, single submitter. Criteria: ACMG Guidelines, 2015. Collection method: research. Allele origin: germline.

Fulgent Genetics
Classification: Uncertain significance for Nephronophthisis 4; Senior-Loken syndrome 4. Last evaluated: 2021-11-15. Review status: criteria provided, single submitter. Criteria: ACMG Guidelines, 2015. Collection method: clinical testing. Allele origin: unknown.

Illumina Laboratory Services, Illumina
Classification: Uncertain significance for Senior-Loken syndrome 4. Last evaluated: 2018-01-13. Review status: criteria provided, single submitter. Criteria: ICSL Variant Classification Criteria 13 December 2019. Collection method: clinical testing. Allele origin: germline.

Illumina Laboratory Services, Illumina
Classification: Uncertain significance for Nephronophthisis 4. Last evaluated: 2018-01-13. Review status: criteria provided, single submitter. Criteria: ICSL Variant Classification Criteria 13 December 2019. Collection method: clinical testing. Allele origin: germline.